The following is an entry in ClinVar:

NM_001943.5(DSG2):c.2981C>T (p.Pro994Leu)

Genes: DSG2 (desmoglein 2; plus strand), DSG2-AS1 (DSG2 antisense RNA 1; minus strand). Cytogenetic location: 18q12.1.
Variant type: single nucleotide variant.
Coding change: c.2981C>T on transcript NM_001943.5 (MANE Select); coding-DNA position 2981, C replaced by T.
Protein change: p.Pro994Leu; replaces proline 994 with leucine.
Molecular consequence: missense variant.
Genome position (GRCh38, 1-based): chr18:31,546,367, C>T. VCF-style: chr18-31546367-C-T. GRCh37 (hg19) VCF-style: chr18-29126330-C-T.
Other names: short protein forms P994L.
Identifiers: ClinVar variation 3073846 (VCV003073846.1), dbSNP rs2510922633, ClinGen allele CA402147646.

ClinVar aggregate classification (germline): Uncertain significance (1 of 4 stars; one submission).

Conditions:
Arrhythmogenic right ventricular cardiomyopathy (ARVD). Also called: Arrhythmogenic right ventricular dysplasia; Cardiomyopathy, ARVC; Arrhythmogenic cardiomyopathy; Arrhythmogenic Right Ventricular Cardiomyopathy (ARVC). Identifiers: Orphanet 247, MedGen C0349788, MeSH D019571, MONDO:0016587. Disease mechanism: loss of function. Inheritance: Various modes of inheritance.

Allele frequency attached by ClinVar (database versions not stated): gnomAD exomes below 0.00001.
gnomAD v4.1: 2 of 1,613,934 alleles (0.00012%); highest among the groups gnomAD compares: Non-Finnish European, 0.00017%; no homozygotes.

Submission:

All of Us Research Program, National Institutes of Health
Classification: Uncertain significance for Arrhythmogenic right ventricular cardiomyopathy. Last evaluated: 2023-10-06. Review status: criteria provided, single submitter. Criteria: ACMG Guidelines, 2015. Collection method: clinical testing. Allele origin: germline. Inheritance: Autosomal dominant inheritance. Observed: 1 variant allele, 1 heterozygote.
Comment: This missense variant replaces proline with leucine at codon 994 of the DSG2 protein. Computational prediction is inconclusive regarding the impact of this variant on protein structure and function (internally defined REVEL score threshold 0.5 < inconclusive < 0.7, PMID: 27666373). To our knowledge, functional studies have not been reported for this variant. This variant has not been reported in individuals affected with cardiovascular disorders in the literature. This variant has not been identified in the general population by the Genome Aggregation Database (gnomAD). The available evidence is insufficient to determine the role of this variant in disease conclusively. Therefore, this variant is classified as a Variant of Uncertain Significance.

This study involves interpretation of variants in research participants for the purpose of population health screening. Participant phenotype was not available at the time of variant classification. Additional details can be found in publication PMID: 35346344, PMCID: PMC8962531